The following is an entry in ClinVar:

ClinVar aggregate classification (germline): Pathogenic/Likely pathogenic. Review status: criteria provided, multiple submitters, no conflicts (2 of 4 stars). 2 submissions from 2 submitters: Pathogenic (1); Likely pathogenic (1). Last evaluated 2025-08-05.

Conditions:
Fanconi-Bickel syndrome (FBS). Also called: PSEUDO-PHLORIZIN DIABETES; FANCONI SYNDROME WITH INTESTINAL MALABSORPTION AND GALACTOSE INTOLERANCE; HEPATIC GLYCOGENOSIS WITH AMINO ACIDURIA AND GLUCOSURIA; HEPATIC GLYCOGENOSIS WITH FANCONI NEPHROPATHY; HEPATORENAL GLYCOGENOSIS WITH RENAL FANCONI SYNDROME; Glycogen storage disease due to GLUT2 deficiency. Identifiers: Orphanet 2088, MedGen C3495427, MONDO:0009216, OMIM 227810.
Type 2 diabetes mellitus. Also called: Type II diabetes mellitus. Identifiers: MedGen C0011860, MeSH D003924, MONDO:0005148, OMIM 125853, HP:0005978.

Submissions (2):

Labcorp Genetics (formerly Invitae), Labcorp
Classification: Pathogenic for Fanconi-Bickel syndrome. Last evaluated: 2025-08-05. Review status: criteria provided, single submitter. Criteria: Invitae Variant Classification Sherloc (09022015). Collection method: clinical testing. Allele origin: germline.
Comment: This sequence change creates a premature translational stop signal (p.Glu84*) in the SLC2A2 gene. It is expected to result in an absent or disrupted protein product. Loss-of-function variants in SLC2A2 are known to be pathogenic (PMID: 11810292). This variant is not present in population databases (gnomAD no frequency). This variant has not been reported in the literature in individuals affected with SLC2A2-related conditions. ClinVar contains an entry for this variant (Variation ID: 3588939). For these reasons, this variant has been classified as Pathogenic.

Fulgent Genetics
Classification: Likely pathogenic for Type 2 diabetes mellitus; Fanconi-Bickel syndrome. Last evaluated: 2023-12-28. Review status: criteria provided, single submitter. Criteria: ACMG Guidelines, 2015. Collection method: clinical testing. Allele origin: germline.

Literature cited by the submitters: PubMed 11810292 (cited by Labcorp Genetics (formerly Invitae), Labcorp).

NM_000340.2(SLC2A2):c.250G>T (p.Glu84Ter)

Gene: SLC2A2 (solute carrier family 2 member 2; minus strand). Cytogenetic location: 3q26.2.
Variant type: single nucleotide variant.
Coding change: c.250G>T on transcript NM_000340.2 (MANE Select); coding-DNA position 250, G replaced by T.
Protein change: p.Glu84Ter; replaces glutamic acid 84 with a stop codon.
Molecular consequence: nonsense. On other transcripts: 5 prime UTR variant (1), intron variant (1).
Genome position (GRCh38, 1-based): chr3:171,014,590, C>A on the plus strand (G>T on the coding strand, the complement: SLC2A2 is on the minus strand). VCF-style: chr3-171014590-C-A. GRCh37 (hg19) VCF-style: chr3-170732379-C-A.
Other names: c.-145G>T (NM_001278659.2); c.14+3941G>T (NM_001278658.2); short protein forms E84*.
Identifiers: ClinVar variation 3588939 (VCV003588939.2).